The following is an entry in ClinVar:

ClinVar aggregate classification (germline): Likely pathogenic (1 of 4 stars; one submission).

Submission:

Advanced Center For Translational And Genetic Medicine, Ann & Robert H. Lurie Children's Hospital Of Chicago
Classification: Likely pathogenic. Last evaluated: 2024-07-29. Review status: criteria provided, single submitter. Criteria: ACMG Guidelines, 2015. Collection method: research, in vitro. Allele origin: paternal, not applicable. Affected: yes. Observed: 1 compound heterozygote. Functional consequence: loss_of_function_variant.
Comment: Well-established in vitro or in vivo functional studies supportive of a damaging effect on the gene or gene product (PS3), Absent from gnomAD v4.1.0 (PM2), Multiple computational tools support deleterious effect, CADD=25.3 and Mutation Taster predicts Disease Causing (PP3)

NM_024899.4(CEP76):c.793G>A (p.Val265Met)

Genes: CEP76 (centrosomal protein 76; minus strand), PSMG2 (proteasome assembly chaperone 2; plus strand). Cytogenetic location: 18p11.21.
Variant type: single nucleotide variant.
Coding change: c.793G>A on transcript NM_024899.4 (MANE Select); coding-DNA position 793, G replaced by A.
Protein change: p.Val265Met; replaces valine 265 with methionine.
Molecular consequence: missense variant. On other transcripts: non-coding transcript variant (1), intron variant (1).
Genome position (GRCh38, 1-based): chr18:12,695,265, C>T on the plus strand (G>A on the coding strand, the complement: CEP76 is on the minus strand). VCF-style: chr18-12695265-C-T. GRCh37 (hg19) VCF-style: chr18-12695264-C-T.
Other names: c.568G>A, p.Val190Met (NM_001271989.2); c.-36-11285C>T (NM_147163.2); short protein forms V190M, V265M.
Identifiers: ClinVar variation 4075835 (VCV004075835.1).